The following is an entry in ClinVar:

NM_004655.4(AXIN2):c.1759G>A (p.Glu587Lys)

Gene: AXIN2 (axin 2; minus strand). Cytogenetic location: 17q24.1.
Variant type: single nucleotide variant.
Coding change: c.1759G>A on transcript NM_004655.4 (MANE Select); coding-DNA position 1759, G replaced by A.
Protein change: p.Glu587Lys; replaces glutamic acid 587 with lysine.
Molecular consequence: missense variant. On other transcripts: intron variant (1).
Genome position (GRCh38, 1-based): chr17:65,537,017, C>T on the plus strand (G>A on the coding strand, the complement: AXIN2 is on the minus strand). VCF-style: chr17-65537017-C-T. GRCh37 (hg19) VCF-style: chr17-63533135-C-T.
Other names: c.1712+307G>A (NM_001363813.1); short protein forms E587K.
Identifiers: ClinVar variation 851970 (VCV000851970.9), dbSNP rs1344107562, ClinGen allele CA400676677.

ClinVar aggregate classification (germline): Uncertain significance. Review status: criteria provided, multiple submitters, no conflicts (2 of 4 stars). 3 submissions from 3 submitters: Uncertain significance (3). Last evaluated 2024-11-22.

Conditions:
Hereditary cancer-predisposing syndrome. Also called: Neoplastic Syndromes, Hereditary; Hereditary Cancer Syndrome; Tumor predisposition; Hereditary neoplastic syndrome. Identifiers: Orphanet 140162, MedGen C0027672, MeSH D009386, MONDO:0015356.
Colorectal cancer. Also called: Colorectal cancer, somatic; Malignant Colorectal Neoplasm. Identifiers: MedGen C0346629, MONDO:0005575, OMIM 114500.
Oligodontia-cancer predisposition syndrome. Also called: TOOTH AGENESIS-COLORECTAL CANCER SYNDROME. Identifiers: Orphanet 300576, MedGen C1837750, MONDO:0012075, OMIM 608615. Disease mechanism: loss of function.

gnomAD v4.1: 1 of 1,610,742 alleles (0.000062%); highest among the groups gnomAD compares: East Asian, 0.0022%; no homozygotes.

Submissions (3):

Ambry Genetics
Classification: Uncertain significance for Hereditary cancer-predisposing syndrome. Last evaluated: 2024-11-22. Review status: criteria provided, single submitter. Criteria: Ambry Variant Classification Scheme 2023. Collection method: clinical testing. Allele origin: germline.
Comment: The p.E587K variant (also known as c.1759G>A), located in coding exon 6 of the AXIN2 gene, results from a G to A substitution at nucleotide position 1759. The glutamic acid at codon 587 is replaced by lysine, an amino acid with similar properties. This amino acid position is conserved. In addition, this alteration is predicted to be tolerated by in silico analysis. Based on the available evidence, the clinical significance of this variant remains unclear.

Labcorp Genetics (formerly Invitae), Labcorp
Classification: Uncertain significance for Oligodontia-cancer predisposition syndrome. Last evaluated: 2024-08-01. Review status: criteria provided, single submitter. Criteria: Invitae Variant Classification Sherloc (09022015). Collection method: clinical testing. Allele origin: germline.
Comment: This sequence change replaces glutamic acid, which is acidic and polar, with lysine, which is basic and polar, at codon 587 of the AXIN2 protein (p.Glu587Lys). This variant is not present in population databases (gnomAD no frequency). This variant has not been reported in the literature in individuals affected with AXIN2-related conditions. ClinVar contains an entry for this variant (Variation ID: 851970). Advanced modeling of protein sequence and biophysical properties (such as structural, functional, and spatial information, amino acid conservation, physicochemical variation, residue mobility, and thermodynamic stability) performed at Invitae indicates that this missense variant is not expected to disrupt AXIN2 protein function with a negative predictive value of 80%. In summary, the available evidence is currently insufficient to determine the role of this variant in disease. Therefore, it has been classified as a Variant of Uncertain Significance.

Baylor Genetics
Classification: Uncertain significance for Colorectal cancer. Last evaluated: 2023-06-15. Review status: criteria provided, single submitter. Criteria: ACMG Guidelines, 2015. Collection method: clinical testing. Allele origin: unknown.